The following is an entry in ClinVar:

ClinVar aggregate classification (germline): Uncertain significance (1 of 4 stars; one submission).

Allele frequency attached by ClinVar (database versions not stated): gnomAD 0.00001; TOPMed 0.00003.
gnomAD v4.1: 24 of 1,551,580 alleles (0.0015%); highest among the groups gnomAD compares: Admixed American, 0.016%; no homozygotes.

Submission:

Labcorp Genetics (formerly Invitae), Labcorp
Classification: Uncertain significance. Last evaluated: 2025-06-11. Review status: criteria provided, single submitter. Criteria: Invitae Variant Classification Sherloc (09022015). Collection method: clinical testing. Allele origin: germline.
Comment: This sequence change replaces alanine, which is neutral and non-polar, with glycine, which is neutral and non-polar, at codon 1837 of the TET2 protein (p.Ala1837Gly). This variant is present in population databases (no rsID available, gnomAD 0.03%). This variant has not been reported in the literature in individuals affected with TET2-related conditions. ClinVar contains an entry for this variant (Variation ID: 1905716). An algorithm developed to predict the effect of missense changes on protein structure and function (PolyPhen-2) suggests that this variant is likely to be disruptive. In summary, the available evidence is currently insufficient to determine the role of this variant in disease. Therefore, it has been classified as a Variant of Uncertain Significance.

NM_001127208.3(TET2):c.5510C>G (p.Ala1837Gly)

Genes: TET2 (tet methylcytosine dioxygenase 2; plus strand), TET2-AS1 (TET2 antisense RNA 1; minus strand). Cytogenetic location: 4q24.
Variant type: single nucleotide variant.
Coding change: c.5510C>G on transcript NM_001127208.3 (MANE Select); coding-DNA position 5510, C replaced by G.
Protein change: p.Ala1837Gly; replaces alanine 1837 with glycine.
Molecular consequence: missense variant.
Genome position (GRCh38, 1-based): chr4:105,276,020, C>G. VCF-style: chr4-105276020-C-G. GRCh37 (hg19) VCF-style: chr4-106197177-C-G.
Other names: short protein forms A1837G.
Identifiers: ClinVar variation 1905716 (VCV001905716.4), dbSNP rs756322620, ClinGen allele CA357815640.